The following is an entry in ClinVar:

NM_000277.3(PAH):c.1108G>C (p.Glu370Gln)

Gene: PAH (phenylalanine hydroxylase; minus strand). Cytogenetic location: 12q23.2.
Variant type: single nucleotide variant.
Coding change: c.1108G>C on transcript NM_000277.3 (MANE Select); coding-DNA position 1108, G replaced by C.
Protein change: p.Glu370Gln; replaces glutamic acid 370 with glutamine.
Molecular consequence: missense variant.
Genome position (GRCh38, 1-based): chr12:102,843,737, C>G on the plus strand (G>C on the coding strand, the complement: PAH is on the minus strand). VCF-style: chr12-102843737-C-G. GRCh37 (hg19) VCF-style: chr12-103237515-C-G.
Other names: c.1108G>C, p.Glu370Gln (NM_001354304.2); short protein forms E370Q.
Identifiers: ClinVar variation 3384934 (VCV003384934.1).

ClinVar aggregate classification (germline): Uncertain significance (1 of 4 stars; one submission).

Submission:

Women's Health and Genetics/Laboratory Corporation of America, LabCorp
Classification: Uncertain significance. Last evaluated: 2024-10-04. Review status: criteria provided, single submitter. Criteria: LabCorp Variant Classification Summary - May 2015. Collection method: clinical testing. Allele origin: germline.
Comment: Variant summary: PAH c.1108G>C (p.Glu370Gln) results in a conservative amino acid change located in the Aromatic amino acid hydroxylase, C-terminal (IPR019774) of the encoded protein sequence. Three of five in-silico tools predict a benign effect of the variant on protein function. The variant was absent in 251238 control chromosomes. The available data on variant occurrences in the general population are insufficient to allow any conclusion about variant significance. To our knowledge, no occurrence of c.1108G>C in individuals affected with Phenylalanine Hydroxylase Deficiency (Phenylketonuria) and no experimental evidence demonstrating its impact on protein function have been reported. No submitters have cited clinical-significance assessments for this variant to ClinVar. Based on the evidence outlined above, the variant was classified as uncertain significance.